The following is an entry in ClinVar:

GRCh38/hg38 12q24.13(chr12:112663189-113099968)x1

Genes: DTX1 (deltex E3 ubiquitin ligase 1; plus strand), MIR1302-1 (microRNA 1302-1; minus strand), OAS1 (2'-5'-oligoadenylate synthetase 1; plus strand), OAS2 (2'-5'-oligoadenylate synthetase 2; plus strand), OAS3 (2'-5'-oligoadenylate synthetase 3; plus strand) and 46 more. Cytogenetic location: 12q24.13.
Variant type: copy number loss.
Change: copy number 1 (one copy instead of two) of chr12:112,663,189-113,099,968 (436.8 kb, GRCh38 coordinates, 1-based), cytogenetic band 12q24.13.
Identifiers: ClinVar variation 4890976 (VCV004890976.1).

ClinVar aggregate classification (germline): Uncertain significance (1 of 4 stars; one submission).

Submission:

Clinical Genomics Laboratory, Laboratory for Precision Diagnostics, University of Washington
Classification: Uncertain significance. Last evaluated: 2023-01-26. Review status: criteria provided, single submitter. Criteria: ACMG/ClinGen CNV Guidelines, 2019. Collection method: clinical testing. Allele origin: unknown. Affected: yes. Observed: 1 variant allele.